The following is an entry in ClinVar:

NM_001370259.2(MEN1):c.1257C>T (p.Gly419=)

Gene: MEN1 (menin 1; minus strand). Cytogenetic location: 11q13.1.
Variant type: single nucleotide variant.
Coding change: c.1257C>T on transcript NM_001370259.2 (MANE Select); coding-DNA position 1257, C replaced by T.
Protein change: p.Gly419=; no amino-acid change (glycine 419 retained).
Molecular consequence: synonymous variant. On other transcripts: non-coding transcript variant (4), intron variant (1).
Genome position (GRCh38, 1-based): chr11:64,805,127, G>A on the plus strand (C>T on the coding strand, the complement: MEN1 is on the minus strand). VCF-style: chr11-64805127-G-A. GRCh37 (hg19) VCF-style: chr11-64572599-G-A.
Other names: c.1272C>T, p.Gly424= (NM_000244.4, NM_001407145.1, NM_130800.3 and 4 more transcripts); c.1383C>T, p.Gly461= (NM_001370251.2, NM_001407142.1, NM_001407143.1 and 1 more transcripts); c.1257C>T, p.Gly419= (NM_001370260.2, NM_001370261.2, NM_001407146.1 and 2 more transcripts); c.1152C>T, p.Gly384= (NM_001370262.2, NM_001370263.2, NM_001407148.1 and 1 more transcripts); c.1398C>T, p.Gly466= (NM_001407150.1); c.1278C>T, p.Gly426= (NM_001407151.1); c.1186-311C>T (NM_001407152.1).
Identifiers: ClinVar variation 2027311 (VCV002027311.5), dbSNP rs1941615613, ClinGen allele CA474982806.
Genomic context (GRCh38, chr11:64,805,127, plus strand): 5'-AAAGGTGGCCCAGCCCACATGCAGCACAGGCGTGGGACTGCCCTCCTCCCATTTGCAGAT[G>A]CCGTCGTAGAATCGCAGCAGGTGGGCGAAGCACTCAGGGTCCTGGAGGGCGGAACCTTGG-3'
Protein context (NP_001357188.2, residues 409-429): CFAHLLRFYD[Gly419=]ICKWEEGSPT

ClinVar aggregate classification (germline): Uncertain significance. Review status: criteria provided, multiple submitters, no conflicts (2 of 4 stars). 2 submissions from 2 submitters: Uncertain significance (2). Last evaluated 2026-03-19.

Conditions:
Multiple endocrine neoplasia, type 1 (MEN1). Also called: MEN I; WERMER SYNDROME; Endocrine adenomatosis multiple; MEN 1; MEA I. Identifiers: Orphanet 652, MedGen C0025267, MeSH D018761, MONDO:0007540, OMIM 131100.

Submissions (2):

GeneDx
Classification: Uncertain significance. Last evaluated: 2026-03-19. Review status: criteria provided, single submitter. Criteria: GeneDx Variant Classification Process June 2021. Collection method: clinical testing. Allele origin: germline.
Comment: Not observed at significant frequency in large population cohorts (gnomAD); In silico analysis supports a deleterious effect on splicing; Has not been previously published as pathogenic or benign to our knowledge

Labcorp Genetics (formerly Invitae), Labcorp
Classification: Uncertain significance for Multiple endocrine neoplasia, type 1. Last evaluated: 2021-12-02. Review status: criteria provided, single submitter. Criteria: Invitae Variant Classification Sherloc (09022015). Collection method: clinical testing. Allele origin: germline.
Comment: This sequence change affects codon 419 of the MEN1 mRNA. It is a 'silent' change, meaning that it does not change the encoded amino acid sequence of the MEN1 protein. This variant is not present in population databases (gnomAD no frequency). This variant has not been reported in the literature in individuals affected with MEN1-related conditions. Algorithms developed to predict the effect of sequence changes on RNA splicing suggest that this variant may create or strengthen a splice site. In summary, the available evidence is currently insufficient to determine the role of this variant in disease. Therefore, it has been classified as a Variant of Uncertain Significance.